The following is an entry in ClinVar:

ClinVar aggregate classification (germline): Uncertain significance. Review status: criteria provided, multiple submitters, no conflicts (2 of 4 stars). 2 submissions from 2 submitters: Uncertain significance (2). Last evaluated 2026-08-24.

Conditions:
Cardiovascular phenotype. Identifiers: MedGen CN230736.
Dilated cardiomyopathy 1AA (CMD1AA). Also called: Cardiomyopathy, dilated, 1AA, with or without LVNC; CARDIOMYOPATHY, DILATED, 1AA, WITH OR WITHOUT LEFT VENTRICULAR NONCOMPACTION; CARDIOMYOPATHY, FAMILIAL HYPERTROPHIC, 23, WITH OR WITHOUT LEFT VENTRICULAR NONCOMPACTION. Identifiers: Orphanet 154, MedGen C2677338, MONDO:0012808, OMIM 612158.
Primary familial hypertrophic cardiomyopathy (HCM). Identifiers: Orphanet 99739, MedGen C0949658, MeSH D024741, MONDO:0024573. Inheritance: Various modes of inheritance.

Submissions (2):

Ambry Genetics
Classification: Uncertain significance for Cardiovascular phenotype. Last evaluated: 2026-08-24. Review status: criteria provided, single submitter. Criteria: Ambry Variant Classification Scheme 2023. Collection method: clinical testing. Allele origin: germline.
Comment: The p.A557G variant (also known as c.1670C>G), located in coding exon 15 of the ACTN2 gene, results from a C to G substitution at nucleotide position 1670. The alanine at codon 557 is replaced by glycine, an amino acid with similar properties. This amino acid position is conserved. In addition, the in silico prediction for this alteration is inconclusive. Based on the available evidence, the clinical significance of this variant remains unclear.

Labcorp Genetics (formerly Invitae), Labcorp
Classification: Uncertain significance for Primary familial hypertrophic cardiomyopathy; Dilated cardiomyopathy 1AA. Last evaluated: 2021-11-29. Review status: criteria provided, single submitter. Criteria: Invitae Variant Classification Sherloc (09022015). Collection method: clinical testing. Allele origin: germline.
Comment: In summary, the available evidence is currently insufficient to determine the role of this variant in disease. Therefore, it has been classified as a Variant of Uncertain Significance. Advanced modeling of protein sequence and biophysical properties (such as structural, functional, and spatial information, amino acid conservation, physicochemical variation, residue mobility, and thermodynamic stability) performed at Invitae indicates that this missense variant is not expected to disrupt ACTN2 protein function. ClinVar contains an entry for this variant (Variation ID: 532037). This variant has not been reported in the literature in individuals affected with ACTN2-related conditions. This variant is not present in population databases (gnomAD no frequency). This sequence change replaces alanine, which is neutral and non-polar, with glycine, which is neutral and non-polar, at codon 557 of the ACTN2 protein (p.Ala557Gly).

NM_001103.4(ACTN2):c.1670C>G (p.Ala557Gly)

Gene: ACTN2 (actinin alpha 2; plus strand). Cytogenetic location: 1q43.
Variant type: single nucleotide variant.
Coding change: c.1670C>G on transcript NM_001103.4 (MANE Select); coding-DNA position 1670, C replaced by G.
Protein change: p.Ala557Gly; replaces alanine 557 with glycine.
Molecular consequence: missense variant.
Genome position (GRCh38, 1-based): chr1:236,751,483, C>G. VCF-style: chr1-236751483-C-G. GRCh37 (hg19) VCF-style: chr1-236914783-C-G.
Other names: c.1670C>G (NM_001103.2); c.1670C>G, p.Ala557Gly (NM_001278343.2); c.1046C>G, p.Ala349Gly (NM_001278344.2); short protein forms A557G, A349G.
Identifiers: ClinVar variation 532037 (VCV000532037.8), dbSNP rs1389785784, ClinGen allele CA345385686.